The following is an entry in ClinVar:

NM_002100.6(GYPB):c.260G>A (p.Arg87Gln)

Gene: GYPB (glycophorin B (MNS blood group); minus strand). Cytogenetic location: 4q31.21.
Variant type: single nucleotide variant.
Coding change: c.260G>A on transcript NM_002100.6 (MANE Select); coding-DNA position 260, G replaced by A.
Protein change: p.Arg87Gln; replaces arginine 87 with glutamine.
Molecular consequence: missense variant.
Genome position (GRCh38, 1-based): chr4:143,997,550, C>T on the plus strand (G>A on the coding strand, the complement: GYPB is on the minus strand). VCF-style: chr4-143997550-C-T. GRCh37 (hg19) VCF-style: chr4-144918703-C-T.
Other names: c.182G>A, p.Arg61Gln (NM_001304382.1); short protein forms R61Q, R87Q.
Identifiers: ClinVar variation 3388670 (VCV003388670.14).

ClinVar aggregate classification (germline): Likely benign (1 of 4 stars; one submission).

gnomAD v4.1: 829 of 1,571,680 alleles (0.053%); highest among the groups gnomAD compares: African/African-American, 0.76%; 29 homozygotes.

Submission:

CeGaT Center for Human Genetics Tuebingen
Classification: Likely benign. Last evaluated: 2024-10-01. Review status: criteria provided, single submitter. Criteria: CeGaT Center For Human Genetics Tuebingen Variant Classification Criteria Version 2. Collection method: clinical testing. Allele origin: germline. Affected: yes. Observed: 1 variant allele.
Comment: GYPB: BP4, BS2